The following is an entry in ClinVar:

ClinVar aggregate classification (germline): Benign. Review status: criteria provided, multiple submitters, no conflicts (2 of 4 stars). 5 submissions from 5 submitters: Benign (5). Last evaluated 2026-02-01.

Allele frequency attached by ClinVar (database versions not stated): gnomAD exomes 0.01269 and 0.01337; ExAC 0.01560; gnomAD 0.03210 and 0.03439; 1000 Genomes Project 0.03215; 1000 Genomes Project 30x 0.03326; ESP Exome Variant Server 0.03570; TOPMed 0.03715.
gnomAD v4.1: 22,843 of 1,550,650 alleles (1.5%); highest among the groups gnomAD compares: African/African-American, 8.8%; 449 homozygotes.

Submissions (5):

Labcorp Genetics (formerly Invitae), Labcorp
Classification: Benign. Last evaluated: 2026-02-01. Review status: criteria provided, single submitter. Criteria: Invitae Variant Classification Sherloc (09022015). Collection method: clinical testing. Allele origin: germline.

Mayo Clinic Laboratories, Mayo Clinic
Classification: Benign. Last evaluated: 2021-04-09. Review status: criteria provided, single submitter. Criteria: ACMG Guidelines, 2015. Collection method: clinical testing. Allele origin: germline. Observed: 5 variant alleles.

Athena Diagnostics
Classification: Benign. Last evaluated: 2019-03-30. Review status: criteria provided, single submitter. Criteria: Athena Diagnostics Criteria. Collection method: clinical testing. Allele origin: germline.

GeneDx
Classification: Benign. Last evaluated: 2017-08-25. Review status: criteria provided, single submitter. Criteria: GeneDx Variant Classification (06012015). Collection method: clinical testing. Allele origin: germline. Affected: yes.
Comment: This variant is considered likely benign or benign based on one or more of the following criteria: it is a conservative change, it occurs at a poorly conserved position in the protein, it is predicted to be benign by multiple in silico algorithms, and/or has population frequency not consistent with disease.

Laboratory for Molecular Medicine, Mass General Brigham Personalized Medicine
Classification: Benign. Last evaluated: 2017-08-23. Review status: criteria provided, single submitter. Criteria: LMM Criteria. Collection method: clinical testing. Allele origin: germline. Observed: 9 variant alleles.
Comment: p.Leu986Leu in exon 21 of FAM65B: This variant is not expected to have clinical significance because it does not alter an amino acid residue, is not located wit hin the splice consensus sequence, and has been identified in 9.15% (203/2218) o f African chromosomes by the Exome Aggregation Consortium (ExAC; dbSNP rs61733143).

NM_001286445.3(RIPOR2):c.2895A>G (p.Leu965=)

Gene: RIPOR2 (RHO family interacting cell polarization regulator 2; minus strand). Cytogenetic location: 6p22.3.
Variant type: single nucleotide variant.
Coding change: c.2895A>G on transcript NM_001286445.3 (MANE Select); coding-DNA position 2895, A replaced by G.
Protein change: p.Leu965=; no amino-acid change (leucine 965 retained).
Molecular consequence: synonymous variant.
Genome position (GRCh38, 1-based): chr6:24,818,599, T>C on the plus strand (A>G on the coding strand, the complement: RIPOR2 is on the minus strand). VCF-style: chr6-24818599-T-C. GRCh37 (hg19) VCF-style: chr6-24818827-T-C.
Other names: p.Leu986=; c.2808A>G, p.Leu936= (NM_001346031.2, NM_001346032.2); c.2958A>G, p.Leu986= (NM_014722.5).
Identifiers: ClinVar variation 508155 (VCV000508155.15), dbSNP rs61733143, ClinGen allele CA3659059.